The following is an entry in ClinVar:

NM_175914.5(HNF4A):c.944TGC[4] (p.Leu319del)

Gene: HNF4A (hepatocyte nuclear factor 4 alpha; plus strand). Cytogenetic location: 20q13.12.
Variant type: Microsatellite.
Coding change: c.944TGC[4] on transcript NM_175914.5 (MANE Select); four copies in a row of the 3-base unit TGC starting at c.944; the reference has five copies in a row; one copy, 3 bases deleted.
Protein change: p.Leu319del; deletes leucine 319.
Molecular consequence: inframe deletion.
Genome position (GRCh38, 1-based): chr20:44,424,147-44,424,149, TGC deleted; deleting any 3 consecutive bases within chr20:44,424,133-44,424,149 gives the same sequence; the position shown is the placement nearest the transcript's 3' end. VCF-style (leftmost placement, unchanged base first): chr20-44424132-AGCT-A. GRCh37 (hg19) VCF-style: chr20-43052772-AGCT-A.
Other names: NM_175914.5(HNF4A):c.944TGC[4]; p.Leu319del; c.1010TGC[4], p.Leu341del (NM_000457.6, NM_178849.3, NM_178850.3); c.944TGC[4], p.Leu319del (NM_001030003.3, NM_001030004.3); c.989TGC[4], p.Leu334del (NM_001258355.2); c.935TGC[4], p.Leu316del (NM_001287182.2, NM_001287183.2, NM_001287184.2); short protein forms L319del, L316del, L334del, L341del.
Identifiers: ClinVar variation 803609 (VCV000803609.41), dbSNP rs776489992, ClinGen allele CA9870416.

ClinVar aggregate classification (germline): Uncertain significance. Review status: reviewed by expert panel (3 of 4 stars). 5 submissions from 5 submitters: Uncertain significance (1). 4 of the submissions do not count toward it. Last evaluated 2025-07-25.

Conditions:
Maturity-onset diabetes of the young (MODY). Also called: Maturity onset diabetes mellitus in young. Identifiers: Orphanet 552, MedGen C0342276, MONDO:0018911, HP:0004904.
Fanconi renotubular syndrome 4 with maturity-onset diabetes of the young (FRTS4). Also called: FRTS4 WITH MODY. Identifiers: Orphanet 93111, MedGen C4014962, MONDO:0014458, OMIM 616026.
Monogenic diabetes. Identifiers: Orphanet 183625, MedGen C3888631, MONDO:0015967.

Submissions (5):

ClinGen Monogenic Diabetes Variant Curation Expert Panel
Classification: Uncertain significance for Monogenic diabetes. Last evaluated: 2025-07-25. Review status: reviewed by expert panel. Criteria: ClinGen Diabetes ACMG Specifications HNF4A V3.0.0. Collection method: curation. Allele origin: germline. Inheritance: Autosomal dominant inheritance.
Comment: The c.956_958del variant in the hepatocyte nuclear factor 4 alpha gene, HNF4A, is a 3 base pair deletion resulting in the in-frame deletion of 1 amino acid at codon 319 (p.(Leu319del)) within exon 8 of NM_175914.5. The Grpmax filtering allele frequency of the c.956_958del variant in gnomAD v4.1 is 0.000022, which falls between ClinGen MDEP-established cutoffs for PM2_Supporting and BS1; thus, neither criterion will be applied. The c.956_958del variant is predicted to change the length of the protein due an in-frame deletion of 1 amino acid, but it is within a repeat region of 5 leucines, so PM4_Supporting was not applied. This variant is located within the ligand-binding domain (codons 300-350) of HNF4A, which is defined as critical for the protein’s function by the ClinGen MDEP (PM1_Supporting). This variant was identified in three unrelated individuals with non-autoimmune and non-absolute/near-absolute insulin-deficient diabetes; however, PS4_Moderate cannot be applied because this number is below the ClinGen MDEP threshold and the variant does not meet the PM2_Supporting cutoff (PMID: 21105491, internal lab contributors). One of these individuals did have a clinical history highly specific for HNF4A-MODY (MODY probability calculator result >50%, negative genetic testing for HNF1A and a family history of neonatal hypoglycemia) (PP4_Moderate; PMID: 21105491). This variant segregated with diabetes, with three informative meioses in two families (PP1_Moderate; PMID: 21105491; internal lab contributor). In summary, c.956_958del meets the criteria to be classified as a variant of uncertain significance for monogenic diabetes. ACMG/AMP criteria applied, as specified by the ClinGen MDEP VCEP (specification version 3.0.0, approved 6/30/2025): PM1_Supporting, PP4_Moderate, PP1_Moderate.

CeGaT Center for Human Genetics Tuebingen
Classification: Uncertain significance. Last evaluated: 2021-08-01. Review status: criteria provided, single submitter. Criteria: CeGaT Center For Human Genetics Tuebingen Variant Classification Criteria Version 2. Collection method: clinical testing. Allele origin: germline. Affected: yes. Observed: 1 variant allele. Not counted in ClinVar's aggregate classification.

Mendelics
Classification: Uncertain significance for Maturity-onset diabetes of the young type 1. Last evaluated: 2019-05-28. Review status: criteria provided, single submitter. Criteria: Mendelics Assertion Criteria 2017. Collection method: clinical testing. Allele origin: unknown. Not counted in ClinVar's aggregate classification.

Centre for Mendelian Genomics, University Medical Centre Ljubljana
Classification: Uncertain significance for Fanconi renotubular syndrome 4 with maturity-onset diabetes of the young. Last evaluated: 2019-05-14. Review status: criteria provided, single submitter. Criteria: ACMG Guidelines, 2015. Collection method: clinical testing. Allele origin: unknown. Affected: yes. Not counted in ClinVar's aggregate classification.
Comment: This variant was classified as: Uncertain significance. The available evidence favors the benign nature of this variant, however the evidence is insufficent to prove its benign nature. The following ACMG criteria were applied in classifying this variant: PP3.

Clinical Genomics, Uppaluri K&H Personalized Medicine Clinic
Classification: Uncertain significance for Maturity-onset diabetes of the young. Review status: criteria provided, single submitter. Criteria: K & H Uppaluri Personalized Medicine Clinic Variant Classification & Assertion Criteria_Updated V.1. Collection method: research. Allele origin: unknown. Inheritance: Autosomal dominant inheritance. Not counted in ClinVar's aggregate classification.
Comment: Potent mutations in HNF4A are associated with poor insulin secretion in response to hyperglycemia. Associated with MODY1. Patients initially respond well to sulfonylureas but eventually become insulin dependent. However, more evidence is required to ascertain the role of this particular variant rs776489992 in MODY, yet.

Literature cited by the submitters: PubMed 21105491 (cited by ClinGen Monogenic Diabetes Variant Curation Expert Panel); DOI 10.1159/000334532 (cited by Clinical Genomics, Uppaluri K&H Personalized Medicine Clinic); PubMed 18268044 (cited by Clinical Genomics, Uppaluri K&H Personalized Medicine Clinic); PubMed 17563455 (cited by Clinical Genomics, Uppaluri K&H Personalized Medicine Clinic); PubMed 32583173 (cited by Clinical Genomics, Uppaluri K&H Personalized Medicine Clinic); PubMed 35052457 (cited by Clinical Genomics, Uppaluri K&H Personalized Medicine Clinic); PubMed 35118593 (cited by Clinical Genomics, Uppaluri K&H Personalized Medicine Clinic).